The following is an entry in ClinVar:

ClinVar aggregate classification (germline): Uncertain significance (1 of 4 stars; one submission).

Submission:

Labcorp Genetics (formerly Invitae), Labcorp
Classification: Uncertain significance. Last evaluated: 2022-06-10. Review status: criteria provided, single submitter. Criteria: Invitae Variant Classification Sherloc (09022015). Collection method: clinical testing. Allele origin: germline.
Comment: This variant is not present in population databases (gnomAD no frequency). In summary, the available evidence is currently insufficient to determine the role of this variant in disease. Therefore, it has been classified as a Variant of Uncertain Significance. Experimental studies and prediction algorithms are not available or were not evaluated, and the functional significance of this variant is currently unknown. This variant has not been reported in the literature in individuals affected with ATAD1-related conditions. This sequence change creates a premature translational stop signal (p.Cys303Serfs*9) in the ATAD1 gene. While this is not anticipated to result in nonsense mediated decay, it is expected to disrupt the last 59 amino acid(s) of the ATAD1 protein.

NM_001321967.2(ATAD1):c.908_909del (p.Cys303fs)

Gene: ATAD1 (ATPase family AAA domain containing 1; minus strand). Cytogenetic location: 10q23.31.
Variant type: Microsatellite.
Coding change: c.908_909del on transcript NM_001321967.2 (MANE Select); coding-DNA positions 908 to 909, 2 bases deleted (GT; older notation c.908_909delGT).
Protein change: p.Cys303fs; shifts the reading frame from cysteine 303.
Molecular consequence: frameshift variant. On other transcripts: non-coding transcript variant (1).
Genome position (GRCh38, 1-based): chr10:87,756,845-87,756,846, AC deleted on the plus strand (GT on the coding strand, the reverse complement: ATAD1 is on the minus strand); deleting any 2 consecutive bases within chr10:87,756,845-87,756,849 gives the same sequence; the c. name uses the placement nearest the transcript's 3' end. VCF-style (leftmost placement, unchanged base first): chr10-87756844-GAC-G. GRCh37 (hg19) VCF-style: chr10-89516601-GAC-G.
Other names: c.818_819del, p.Cys273fs (NM_001321968.2); c.551_552del, p.Cys184fs (NM_001321969.2); c.908_909del, p.Cys303fs (NM_032810.4); short protein forms C273fs, C303fs, C184fs.
Identifiers: ClinVar variation 2004519 (VCV002004519.4), dbSNP rs2492925574, ClinGen allele CA2580615543.
Genomic context (GRCh38, chr10:87,756,844, plus strand): 5'-CATACCTTTCTTCTGATGTAGAATTAACATATTCTCTAACACAGAGGAGGGCAGCATCTC[GAC>G]ACATCTCTTTTAGGTCACTTCCTGAAAACCCATCAGTTTCCTGGGCAACTTCTAGCAGGT-3'